The following is an entry in ClinVar:

ClinVar aggregate classification (germline): Likely pathogenic (1 of 4 stars; one submission).

Conditions:
Autosomal recessive polycystic kidney disease (ARPKD). Also called: AR polycystic kidney disease. Identifiers: Orphanet 731, Orphanet 8378, MedGen C0085548, MeSH D017044, MONDO:0009889.

gnomAD v4.1: 1 of 1,588,856 alleles (0.000063%); highest among the groups gnomAD compares: Non-Finnish European, 0.000086%; no homozygotes.

Submission:

Labcorp Genetics (formerly Invitae), Labcorp
Classification: Likely pathogenic for Autosomal recessive polycystic kidney disease. Last evaluated: 2025-05-21. Review status: criteria provided, single submitter. Criteria: Invitae Variant Classification Sherloc (09022015). Collection method: clinical testing. Allele origin: germline.
Comment: This sequence change replaces serine, which is neutral and polar, with glycine, which is neutral and non-polar, at codon 270 of the PKHD1 protein (p.Ser270Gly). This variant is not present in population databases (gnomAD no frequency). This variant has not been reported in the literature in individuals affected with PKHD1-related conditions. Invitae Evidence Modeling of protein sequence and biophysical properties (such as structural, functional, and spatial information, amino acid conservation, physicochemical variation, residue mobility, and thermodynamic stability) indicates that this missense variant is expected to disrupt PKHD1 protein function with a positive predictive value of 95%. This variant disrupts the p.Ser270 amino acid residue in PKHD1. Other variant(s) that disrupt this residue have been determined to be pathogenic (PMID: 27225849; Internal data). This suggests that this residue is clinically significant, and that variants that disrupt this residue are likely to be disease-causing. In summary, the currently available evidence indicates that the variant is pathogenic, but additional data are needed to prove that conclusively. Therefore, this variant has been classified as Likely Pathogenic.

Literature cited by the submitters: PubMed 27225849.

NM_138694.4(PKHD1):c.808A>G (p.Ser270Gly)

Gene: PKHD1 (PKHD1 ciliary IPT domain containing fibrocystin/polyductin; minus strand). Cytogenetic location: 6p12.2.
Variant type: single nucleotide variant.
Coding change: c.808A>G on transcript NM_138694.4 (MANE Select); coding-DNA position 808, A replaced by G.
Protein change: p.Ser270Gly; replaces serine 270 with glycine.
Molecular consequence: missense variant.
Genome position (GRCh38, 1-based): chr6:52,066,048, T>C on the plus strand (A>G on the coding strand, the complement: PKHD1 is on the minus strand). VCF-style: chr6-52066048-T-C. GRCh37 (hg19) VCF-style: chr6-51930846-T-C.
Other names: c.808A>G, p.Ser270Gly (NM_170724.3); short protein forms S270G.
Identifiers: ClinVar variation 4801363 (VCV004801363.1).